The following is an entry in ClinVar:

NM_001130438.3(SPTAN1):c.3624C>G (p.Ile1208Met)

Gene: SPTAN1 (spectrin alpha, non-erythrocytic 1; plus strand). Cytogenetic location: 9q34.11.
Variant type: single nucleotide variant.
Coding change: c.3624C>G on transcript NM_001130438.3 (MANE Select); coding-DNA position 3624, C replaced by G.
Protein change: p.Ile1208Met; replaces isoleucine 1208 with methionine.
Molecular consequence: missense variant.
Genome position (GRCh38, 1-based): chr9:128,603,587, C>G. VCF-style: chr9-128603587-C-G. GRCh37 (hg19) VCF-style: chr9-131365866-C-G.
Other names: c.3564C>G, p.Ile1188Met (NM_001195532.2, NM_001363765.2, NM_001375314.2 and 3 more transcripts); c.3624C>G, p.Ile1208Met (NM_001363759.2, NM_001375310.1, NM_001375311.2 and 4 more transcripts); c.3660C>G, p.Ile1220Met (NM_001375312.2, NM_001375318.1, NM_001438440.1); short protein forms I1208M, I1220M, I1188M.
Identifiers: ClinVar variation 4692294 (VCV004692294.1).
Genomic context (GRCh38, chr9:128,603,587, plus strand): 5'-TTTCCTCCCTACCTAGTCTGCTCGTCTGATGGTTCACACCGTGGCCACCTTTAATTCCAT[C>G]AAGGTAAGAAGCAGTGACCAGCTCCTCTGATCTCCCCTGGTTTTCTCCACTATCTTCCTT-3'
Protein context (NP_001123910.1, residues 1198-1218): MVHTVATFNS[Ile1208Met]KELNERWRSL

ClinVar aggregate classification (germline): Uncertain significance (1 of 4 stars; one submission).

Conditions:
Early-infantile DEE. Also called: Early infantile epileptic encephalopathy with suppression bursts; Early infantile epileptic encephalopathy; Ohtahara syndrome. Identifiers: Orphanet 1934, MedGen C0393706, MONDO:0800491.

gnomAD v4.1: 2 of 1,614,088 alleles (0.00012%); highest among the groups gnomAD compares: South Asian, 0.0011%; no homozygotes.

Submission:

Labcorp Genetics (formerly Invitae), Labcorp
Classification: Uncertain significance for Early-infantile DEE. Last evaluated: 2025-10-03. Review status: criteria provided, single submitter. Criteria: Invitae Variant Classification Sherloc (09022015). Collection method: clinical testing. Allele origin: germline.
Comment: This sequence change replaces isoleucine, which is neutral and non-polar, with methionine, which is neutral and non-polar, at codon 1208 of the SPTAN1 protein (p.Ile1208Met). This variant is present in population databases (no rsID available, gnomAD 0.003%). This variant has not been reported in the literature in individuals affected with SPTAN1-related conditions. Invitae Evidence Modeling of protein sequence and biophysical properties (such as structural, functional, and spatial information, amino acid conservation, physicochemical variation, residue mobility, and thermodynamic stability) has been performed for this missense variant. However, the output from this modeling did not meet the statistical confidence thresholds required to predict the impact of this variant on SPTAN1 protein function. In summary, the available evidence is currently insufficient to determine the role of this variant in disease. Therefore, it has been classified as a Variant of Uncertain Significance.